The following is an entry in ClinVar:

ClinVar aggregate classification (germline): Pathogenic. Review status: criteria provided, multiple submitters, no conflicts (2 of 4 stars). 3 submissions from 3 submitters: Pathogenic (3). Last evaluated 2025-11-20.

Conditions:
BAP1-related tumor predisposition syndrome (TPDS1). Also called: COMMON Syndrome; TUMOR PREDISPOSITION SYNDROME 1; BAP1 tumor predisposition syndrome; Tumor susceptibility linked to germline BAP1 mutations. Identifiers: Orphanet 289539, MedGen C3280492, MONDO:0013692, OMIM 614327.
Hereditary cancer-predisposing syndrome. Also called: Neoplastic Syndromes, Hereditary; Hereditary Cancer Syndrome; Hereditary neoplastic syndrome; Tumor predisposition. Identifiers: Orphanet 140162, MedGen C0027672, MeSH D009386, MONDO:0015356.

Submissions (3):

Myriad Genetics, Inc.
Classification: Pathogenic for BAP1-related tumor predisposition syndrome. Last evaluated: 2025-11-20. Review status: criteria provided, single submitter. Criteria: Myriad Autosomal Dominant, Autosomal Recessive and X-Linked Classification Criteria (2023). Collection method: clinical testing. Allele origin: unknown.
Comment: This variant is considered pathogenic. This variant creates a frameshift predicted to result in premature protein truncation.

Ambry Genetics
Classification: Pathogenic for Hereditary cancer-predisposing syndrome. Last evaluated: 2024-09-27. Review status: criteria provided, single submitter. Criteria: Ambry Variant Classification Scheme 2023. Collection method: clinical testing. Allele origin: germline.
Comment: The c.1464delC pathogenic mutation, located in coding exon 13 of the BAP1 gene, results from a deletion of one nucleotide at nucleotide position 1464, causing a translational frameshift with a predicted alternate stop codon (p.S489Afs*82). This variant is considered to be rare based on population cohorts in the Genome Aggregation Database (gnomAD). This alteration is expected to result in loss of function by premature protein truncation or nonsense-mediated mRNA decay. As such, this alteration is interpreted as a disease-causing mutation.

Labcorp Genetics (formerly Invitae), Labcorp
Classification: Pathogenic for BAP1-related tumor predisposition syndrome. Last evaluated: 2023-12-29. Review status: criteria provided, single submitter. Criteria: Invitae Variant Classification Sherloc (09022015). Collection method: clinical testing. Allele origin: germline.
Comment: This sequence change creates a premature translational stop signal (p.Ser489Alafs*82) in the BAP1 gene. It is expected to result in an absent or disrupted protein product. Loss-of-function variants in BAP1 are known to be pathogenic (PMID: 21874000, 23684012). This variant is not present in population databases (gnomAD no frequency). This variant has not been reported in the literature in individuals affected with BAP1-related conditions. ClinVar contains an entry for this variant (Variation ID: 539913). For these reasons, this variant has been classified as Pathogenic.

Literature cited by the submitters: PubMed 21874000 (cited by Labcorp Genetics (formerly Invitae), Labcorp); PubMed 23684012 (cited by Labcorp Genetics (formerly Invitae), Labcorp).

NM_004656.4(BAP1):c.1464del (p.Ser489fs)

Gene: BAP1 (BRCA1 associated deubiquitinase 1; minus strand). Cytogenetic location: 3p21.1.
Variant type: Deletion.
Coding change: c.1464del on transcript NM_004656.4 (MANE Select); coding-DNA position 1464, one base deleted (C; older notation c.1464delC).
Protein change: p.Ser489fs; shifts the reading frame from serine 489.
Molecular consequence: frameshift variant.
Genome position (GRCh38, 1-based): chr3:52,403,681, G deleted on the plus strand (C on the coding strand, the reverse complement: BAP1 is on the minus strand); the first of 5 consecutive G bases (chr3:52,403,681-52,403,685); deleting any one gives the same sequence. VCF-style (leftmost placement, unchanged base first): chr3-52403680-TG-T. GRCh37 (hg19) VCF-style: chr3-52437696-TG-T.
Other names: c.1464del (NM_004656.3); c.1464delC (NM_004656.2); short protein forms S489fs.
Identifiers: ClinVar variation 539913 (VCV000539913.9), dbSNP rs1553644922, ClinGen allele CA645529912.
Genomic context (GRCh38, chr3:52,403,680, plus strand): 5'-AGCGCAGTGGCGAGTTGAAAGCACTGCCGATCTCAGAGGCCGTGTCTGTACTCTCATTGC[TG>T]GGGGTGGGTGAGGGCTGCGAGTGTGTGGGCACTGCCACAGCCGGACTCCCAGCCCCGCTG-3'